The following is an entry in ClinVar:

ClinVar aggregate classification (germline): Pathogenic. Review status: criteria provided, multiple submitters, no conflicts (2 of 4 stars). 4 submissions from 4 submitters: Pathogenic (4). Last evaluated 2026-02-14.

Conditions:
Metachromatic leukodystrophy (MLD). Also called: METACHROMATIC LEUKOENCEPHALOPATHY; ARSA DEFICIENCY; CEREBROSIDE SULFATASE DEFICIENCY; Cerebral sclerosis diffuse metachromatic form; Arylsulfatase A Deficiency; SULFATIDE LIPIDOSIS. Identifiers: Orphanet 512, MedGen C0023522, MONDO:0018868, OMIM 250100.

Submissions (4):

GeneDx
Classification: Pathogenic. Last evaluated: 2026-02-14. Review status: criteria provided, single submitter. Criteria: GeneDx Variant Classification Process June 2021. Collection method: clinical testing. Allele origin: germline.
Comment: Reported as g.445_446dupG and observed with a second ARSA variant, phase unknown, in a patient with metachromatic leukodystrophy in published literature (PMID: 19021637); Published functional studies demonstrate a severe reduction of enzyme activity compared to wild-type (PMID: 19021637); Frameshift variant predicted to result in protein truncation or nonsense mediated decay in a gene for which loss of function is a known mechanism of disease; Not observed at significant frequency in large population cohorts (gnomAD); This variant is associated with the following publications: (PMID: Wang2024[Abstract], 30057904, 26000324, 20339381, 19565006, 19021637)

Natera, Inc.
Classification: Pathogenic for Metachromatic leukodystrophy. Last evaluated: 2025-02-19. Review status: criteria provided, single submitter. Criteria: Natera Variant Classification Schema (03/2026). Collection method: clinical testing. Allele origin: germline.
Comment: The c.302dupG variant in ARSA is a frameshift variant predicted to shift the reading frame beginning at codon 102 and leads to a stop codon 32 codons downstream. This variant is expected to result in nonsense mediated decay, truncation, or a dysfunctional protein product. This variant is rare in the general population with a frequency below the threshold expected for the associated phenotype(s). This variant has been observed in one or more individuals affected with the associated recessive disease, as either homozygous or compound heterozygous with a second variant (PMID: 19021637). Functional studies show that this variant may disrupt protein function (PMID: 19021637). Given the available evidence, this variant is classified as Pathogenic.

Labcorp Genetics (formerly Invitae), Labcorp
Classification: Pathogenic for Metachromatic leukodystrophy. Last evaluated: 2024-02-12. Review status: criteria provided, single submitter. Criteria: Invitae Variant Classification Sherloc (09022015). Collection method: clinical testing. Allele origin: germline.
Comment: This sequence change creates a premature translational stop signal (p.Leu102Profs*32) in the ARSA gene. It is expected to result in an absent or disrupted protein product. Loss-of-function variants in ARSA are known to be pathogenic (PMID: 8962139, 10477432). The frequency data for this variant in the population databases is considered unreliable, as metrics indicate poor data quality at this position in the gnomAD database. This premature translational stop signal has been observed in individual(s) with metachromatic leukodystrophy (PMID: 19021637). ClinVar contains an entry for this variant (Variation ID: 928723). For these reasons, this variant has been classified as Pathogenic.

Women's Health and Genetics/Laboratory Corporation of America, LabCorp
Classification: Pathogenic for Metachromatic leukodystrophy. Last evaluated: 2019-10-03. Review status: criteria provided, single submitter. Criteria: LabCorp Variant Classification Summary - May 2015. Collection method: clinical testing. Allele origin: germline.
Comment: Variant summary: ARSA c.302dupG (p.Leu102ProfsX32) results in a premature termination codon, predicted to cause a truncation of the encoded protein or absence of the protein due to nonsense mediated decay, which are commonly known mechanisms for disease. The variant allele was found at a frequency of 3.6e-05 in 195014 control chromosomes (gnomAD). c.302dupG has been reported in the literature in multiple individuals affected with Metachromatic Leukodystrophy (Perkins_2005, Lugowska_2009, Lugowska_2010, Dali_2015, Chen_2018). These data indicate that the variant is very likely to be associated with disease. Experimental evidence evaluating an impact on protein function through expression of the variant in CHO cells, determined a negligible level of ARSA activity (0.3% of the activity in wild-type CHO cells) (Lugowska_2009). No clinical diagnostic laboratories have submitted clinical-significance assessments for this variant to ClinVar after 2014. Based on the evidence outlined above, the variant was classified as pathogenic.

Literature cited by the submitters: PubMed 19021637 (cited by 3 submitters); PubMed 8962139 (cited by Labcorp Genetics (formerly Invitae), Labcorp); PubMed 10477432 (cited by Labcorp Genetics (formerly Invitae), Labcorp); PubMed 20339381 (cited by Women's Health and Genetics/Laboratory Corporation of America, LabCorp); PubMed 30057904 (cited by Women's Health and Genetics/Laboratory Corporation of America, LabCorp); PubMed 26000324 (cited by Women's Health and Genetics/Laboratory Corporation of America, LabCorp); PubMed 19565006 (cited by Women's Health and Genetics/Laboratory Corporation of America, LabCorp).

NM_000487.6(ARSA):c.302dup (p.Leu102fs)

Gene: ARSA (arylsulfatase A; minus strand). Cytogenetic location: 22q13.33.
Variant type: Duplication.
Coding change: c.302dup on transcript NM_000487.6 (MANE Select); coding-DNA position 302, one base duplicated (G; older notation c.302dupG).
Protein change: p.Leu102fs; shifts the reading frame from leucine 102.
Molecular consequence: frameshift variant.
Genome position (GRCh38, 1-based): chr22:50,627,329, C duplicated on the plus strand (G on the coding strand, the reverse complement: ARSA is on the minus strand); the first of 7 consecutive C bases (chr22:50,627,329-50,627,335); duplicating any one gives the same sequence. VCF-style (leftmost placement, unchanged base first): chr22-50627328-G-GC. GRCh37 (hg19) VCF-style: chr22-51065756-G-GC.
Other names: c.302dupG (NM_000487.5); c.302dup, p.Leu102fs (NM_001085425.3, NM_001085426.3, NM_001085427.3); c.44dup, p.Leu16fs (NM_001085428.3, NM_001362782.2); short protein forms L102fs, L16fs.
Identifiers: ClinVar variation 928723 (VCV000928723.15), dbSNP rs761606317, ClinGen allele CA10325060.